The following is an entry in ClinVar:

ClinVar aggregate classification (germline): Likely benign. Review status: criteria provided, multiple submitters, no conflicts (2 of 4 stars). 2 submissions from 2 submitters: Likely benign (2). Last evaluated 2025-11-01.

gnomAD v4.1: 172 of 1,549,974 alleles (0.011%); highest among the groups gnomAD compares: South Asian, 0.14%; 1 homozygote.

Submissions (2):

CeGaT Center for Human Genetics Tuebingen
Classification: Likely benign. Last evaluated: 2025-11-01. Review status: criteria provided, single submitter. Criteria: CeGaT Center For Human Genetics Tuebingen Variant Classification Criteria Version 2. Collection method: clinical testing. Allele origin: germline. Affected: yes. Observed: 1 variant allele.
Comment: SETD1B: BS2

Blueprint Genetics
Classification: Likely benign. Last evaluated: 2024-05-08. Review status: criteria provided, single submitter. Criteria: ACMG Guidelines, 2015. Collection method: clinical testing. Allele origin: germline.

NM_001353345.2(SETD1B):c.1201C>G (p.Gln401Glu)

Gene: SETD1B (SET domain containing 1B, histone lysine methyltransferase; plus strand). Cytogenetic location: 12q24.31.
Variant type: single nucleotide variant.
Coding change: c.1201C>G on transcript NM_001353345.2 (MANE Select); coding-DNA position 1201, C replaced by G.
Protein change: p.Gln401Glu; replaces glutamine 401 with glutamic acid.
Molecular consequence: missense variant.
Genome position (GRCh38, 1-based): chr12:121,810,146, C>G. VCF-style: chr12-121810146-C-G. GRCh37 (hg19) VCF-style: chr12-122248052-C-G.
Other names: short protein forms Q401E.
Identifiers: ClinVar variation 4534003 (VCV004534003.7).